The following is an entry in ClinVar:

NM_138713.4(NFAT5):c.320G>A (p.Ser107Asn)

Gene: NFAT5 (nuclear factor of activated T cells 5; plus strand). Cytogenetic location: 16q22.1.
Variant type: single nucleotide variant.
Coding change: c.320G>A on transcript NM_138713.4 (MANE Select); coding-DNA position 320, G replaced by A.
Protein change: p.Ser107Asn; replaces serine 107 with asparagine.
Molecular consequence: missense variant.
Genome position (GRCh38, 1-based): chr16:69,647,094, G>A. VCF-style: chr16-69647094-G-A. GRCh37 (hg19) VCF-style: chr16-69680997-G-A.
Other names: c.320G>A, p.Ser107Asn (NM_001113178.3); c.67G>A, p.Ala23Thr (NM_001367709.1); c.266G>A, p.Ser89Asn (NM_006599.4); c.38G>A, p.Ser13Asn (NM_138714.4, NM_173214.3, NM_173215.3); short protein forms A23T, S89N, S107N, S13N.
Identifiers: ClinVar variation 3648339 (VCV003648339.2).

ClinVar aggregate classification (germline): Uncertain significance (1 of 4 stars; one submission).

Conditions:
Immunodeficiency. Identifiers: MedGen C0021051, MONDO:0021094, HP:0002721.

Submission:

Labcorp Genetics (formerly Invitae), Labcorp
Classification: Uncertain significance for Immunodeficiency. Last evaluated: 2024-04-01. Review status: criteria provided, single submitter. Criteria: Invitae Variant Classification Sherloc (09022015). Collection method: clinical testing. Allele origin: germline.
Comment: This sequence change replaces serine, which is neutral and polar, with asparagine, which is neutral and polar, at codon 13 of the NFAT5 protein (p.Ser13Asn). This variant is not present in population databases (gnomAD no frequency). This variant has not been reported in the literature in individuals affected with NFAT5-related conditions. An algorithm developed to predict the effect of missense changes on protein structure and function (PolyPhen-2) suggests that this variant is likely to be disruptive. In summary, the available evidence is currently insufficient to determine the role of this variant in disease. Therefore, it has been classified as a Variant of Uncertain Significance.